The following is an entry in ClinVar:

NM_001364171.2(ODAD1):c.988+5G>A

Gene: ODAD1 (outer dynein arm docking complex subunit 1; minus strand). Cytogenetic location: 19q13.33.
Variant type: single nucleotide variant.
Coding change: c.988+5G>A on transcript NM_001364171.2 (MANE Select); 5 bases into the intron after coding-DNA position 988, G replaced by A.
Molecular consequence: intron variant.
Genome position (GRCh38, 1-based): chr19:48,303,645, C>T on the plus strand (G>A on the coding strand, the complement: ODAD1 is on the minus strand). VCF-style: chr19-48303645-C-T. GRCh37 (hg19) VCF-style: chr19-48806902-C-T.
Other names: c.877+5G>A (NM_144577.4).
Identifiers: ClinVar variation 406188 (VCV000406188.7), dbSNP rs1060500990, ClinGen allele CA16616309.

ClinVar aggregate classification (germline): Likely pathogenic (1 of 4 stars; one submission).

Conditions:
Primary ciliary dyskinesia. Also called: Ciliary dyskinesia. Identifiers: Orphanet 244, MedGen C0008780, MONDO:0016575, HP:0012265.

Allele frequency attached by ClinVar (database versions not stated): gnomAD 0.00001; TOPMed 0.00001.
gnomAD v4.1: 1 of 1,613,972 alleles (0.000062%); highest among the groups gnomAD compares: African/African-American, 0.0013%; no homozygotes.

Submission:

Labcorp Genetics (formerly Invitae), Labcorp
Classification: Likely pathogenic for Primary ciliary dyskinesia. Last evaluated: 2016-04-01. Review status: criteria provided, single submitter. Criteria: Invitae Variant Classification Sherloc (09022015). Collection method: clinical testing. Allele origin: germline.
Comment: This finding is consistent with autosomal recessive inheritance, and suggests that this variant contributes to disease. In summary, this is a novel variant that has been seen in an affected individual and has an uncertain effect on mRNA splicing. In the absence of additional functional and/or genetic data, this variant has been classified as Likely Pathogenic. Algorithms developed to predict the effect of nucleotide changes on mRNA splicing suggest that this intronic variant may alter mRNA splicing, but this prediction has not been confirmed by published transcriptional studies. This variant is not present in population databases (ExAC no frequency) and has not been reported in the literature in individuals with a CCDC114-related disease. This sequence change falls in intron 8 of the CCDC114 mRNA. It does not directly change the encoded amino acid sequence of the CCDC114 protein. This sequence change affects a highly conserved nucleotide near the donor splice site.